The following is an entry in ClinVar:

ClinVar aggregate classification (germline): Uncertain significance (1 of 4 stars; one submission).

Allele frequency attached by ClinVar (database versions not stated): ExAC 0.00002; gnomAD exomes 0.00002.
gnomAD v4.1: 11 of 1,613,450 alleles (0.00068%); highest among the groups gnomAD compares: African/African-American, 0.004%; no homozygotes.

Submission:

Labcorp Genetics (formerly Invitae), Labcorp
Classification: Uncertain significance. Last evaluated: 2022-07-10. Review status: criteria provided, single submitter. Criteria: Invitae Variant Classification Sherloc (09022015). Collection method: clinical testing. Allele origin: germline.
Comment: In summary, the available evidence is currently insufficient to determine the role of this variant in disease. Therefore, it has been classified as a Variant of Uncertain Significance. Algorithms developed to predict the effect of missense changes on protein structure and function (SIFT, PolyPhen-2, Align-GVGD) all suggest that this variant is likely to be tolerated. ClinVar contains an entry for this variant (Variation ID: 1408030). This variant has not been reported in the literature in individuals affected with POLG2-related conditions. This variant is present in population databases (rs782433092, gnomAD 0.007%). This sequence change replaces glutamic acid, which is acidic and polar, with lysine, which is basic and polar, at codon 310 of the POLG2 protein (p.Glu310Lys).

NM_007215.4(POLG2):c.928G>A (p.Glu310Lys)

Genes: MILR1 (mast cell immunoglobulin like receptor 1; plus strand), POLG2 (DNA polymerase gamma 2, accessory subunit; minus strand). Cytogenetic location: 17q23.3.
Variant type: single nucleotide variant.
Coding change: c.928G>A on transcript NM_007215.4 (MANE Select); coding-DNA position 928, G replaced by A.
Protein change: p.Glu310Lys; replaces glutamic acid 310 with lysine.
Molecular consequence: missense variant.
Genome position (GRCh38, 1-based): chr17:64,490,837, C>T on the plus strand (G>A on the coding strand, the complement: POLG2 is on the minus strand). VCF-style: chr17-64490837-C-T. GRCh37 (hg19) VCF-style: chr17-62486954-C-T.
Other names: short protein forms E310K.
Identifiers: ClinVar variation 1408030 (VCV001408030.7), dbSNP rs782433092, ClinGen allele CA8712894.